The following is an entry in ClinVar:

NM_000375.3(UROS):c.10C>T (p.Leu4Phe)

Gene: UROS (uroporphyrinogen III synthase; minus strand). Cytogenetic location: 10q26.2.
Variant type: single nucleotide variant.
Coding change: c.10C>T on transcript NM_000375.3 (MANE Select); coding-DNA position 10, C replaced by T.
Protein change: p.Leu4Phe; replaces leucine 4 with phenylalanine.
Molecular consequence: missense variant. On other transcripts: non-coding transcript variant (3).
Genome position (GRCh38, 1-based): chr10:125,816,490, G>A on the plus strand (C>T on the coding strand, the complement: UROS is on the minus strand). VCF-style: chr10-125816490-G-A. GRCh37 (hg19) VCF-style: chr10-127505059-G-A.
Other names: c.10C>T (NM_000375.2); c.10C>T, p.Leu4Phe (NM_001324036.2, NM_001324037.2, NM_001324038.2 and 1 more transcripts); short protein forms L4F.
Identifiers: ClinVar variation 3755 (VCV000003755.13), dbSNP rs121908015, ClinGen allele CA252867.
Genomic context (GRCh38, chr10:125,816,490, plus strand): 5'-CACTTACCCTGATATACGGATCCTGGCCACAGTCATCTTCCTTCGCATCCTTCAGTAAAA[G>A]AACCTTCATTATTGCCTGGCAGTCCTTATAGGGCACTGCGACAGAGCAAGGAAACAGATC-3'
Protein context (NP_000366.1, residues 1-14): MKV[Leu4Phe]LLKDAKEDDC

ClinVar aggregate classification (germline): Pathogenic. Review status: criteria provided, multiple submitters, no conflicts (2 of 4 stars). 5 submissions from 5 submitters: Pathogenic (4). 1 of the submissions does not count toward it. Last evaluated 2026-03-27.

Conditions:
UROS-related disorder. Also called: UROS-related condition.
Congenital erythropoietic porphyria. Also called: UROPORPHYRINOGEN III SYNTHASE DEFICIENCY; Porphyria, Erythropoietic; Congenital porphyria; Günther disease; Uroporphyrinogen III synthase, deficiency of; Cutaneous porphyria. Identifiers: Orphanet 79277, MedGen C5886774, MONDO:0009902, OMIM 263700.

Allele frequency attached by ClinVar (database versions not stated): ExAC 0.00002; gnomAD exomes 0.00002; gnomAD 0.00003; TOPMed 0.00003.
gnomAD v4.1: 16 of 1,614,044 alleles (0.00099%); highest among the groups gnomAD compares: African/African-American, 0.0013%; no homozygotes.

Submissions (5):

PreventionGenetics, part of Exact Sciences
Classification: Pathogenic for UROS-related condition. Last evaluated: 2026-03-27. Review status: criteria provided, single submitter. Criteria: ACMG Guidelines, 2015. Collection method: clinical testing. Allele origin: germline.
Comment: The UROS c.10C>T variant is predicted to result in the amino acid substitution p.Leu4Phe. This variant has been reported in the homozygous or compound heterozygous states in multiple individuals with congenital erythropoietic porphyria (Boulechfar et al 1992. PubMed ID: 1733834; Ciftci et al 2019. PubMed ID: 30706587; Xu et al 1995. PubMed ID: 7860775). In vitro experimental studies suggest this variant impacts protein function (Fortian et al 2009. PubMed ID: 19099412; Blouin et al 2017. PubMed ID: 28334762). This variant is reported in 0.0054% of alleles in individuals of European (Non-Finnish) descent in gnomAD. This variant is interpreted as pathogenic.

Labcorp Genetics (formerly Invitae), Labcorp
Classification: Pathogenic. Last evaluated: 2026-01-28. Review status: criteria provided, single submitter. Criteria: Invitae Variant Classification Sherloc (09022015). Collection method: clinical testing. Allele origin: germline.
Comment: This sequence change replaces leucine, which is neutral and non-polar, with phenylalanine, which is neutral and non-polar, at codon 4 of the UROS protein (p.Leu4Phe). This variant is present in population databases (rs121908015, gnomAD 0.006%). This missense change has been observed in individuals with congenital erythropoietic porphyria (PMID: 1733834, 7860775, 30706587). ClinVar contains an entry for this variant (Variation ID: 3755). Invitae Evidence Modeling of protein sequence and biophysical properties (such as structural, functional, and spatial information, amino acid conservation, physicochemical variation, residue mobility, and thermodynamic stability) indicates that this missense variant is expected to disrupt UROS protein function with a positive predictive value of 95%. Experimental studies have shown that this missense change affects UROS function (PMID: 1733834, 19099412). For these reasons, this variant has been classified as Pathogenic.

Blueprint Genetics
Classification: Pathogenic for UROS-related disorders. Last evaluated: 2024-08-27. Review status: criteria provided, single submitter. Criteria: ACMG Guidelines, 2015. Collection method: clinical testing. Allele origin: germline. Affected: yes. Observed: 3 variant alleles.

Women's Health and Genetics/Laboratory Corporation of America, LabCorp
Classification: Pathogenic for Congenital erythropoietic porphyria. Last evaluated: 2023-06-26. Review status: criteria provided, single submitter. Criteria: LabCorp Variant Classification Summary - May 2015. Collection method: clinical testing. Allele origin: germline.
Comment: Variant summary: UROS c.10C>T (p.Leu4Phe) results in a non-conservative amino acid change located in the Tetrapyrrole biosynthesis, uroporphyrinogen III synthase domain (IPR003754) of the encoded protein sequence. Five of five in-silico tools predict a damaging effect of the variant on protein function. The variant allele was found at a frequency of 2.4e-05 in 251476 control chromosomes (gnomAD). c.10C>T has been reported in the literature in multiple bi-allelic individuals affected with Cutaneous Porphyria (examples: Boulechfar_1992, Xu_1995, Katugampola_2012, and Ciftci_2018). These data indicate that the variant is very likely to be associated with disease. Multiple publications have reported experimental evidence that this variant reduces normal activity of the protein (examples: Fortian_2009, and Boulechfar_1992). The following publications have been ascertained in the context of this evaluation (PMID: 1733834, 7860775 , 30706587, 22816431, 19099412). One submitter has cited clinical-significance assessments for this variant to ClinVar after 2014 and has classified the variant as pathogenic. Based on the evidence outlined above, the variant was classified as pathogenic.

OMIM
Classification: Pathogenic for PORPHYRIA, CONGENITAL ERYTHROPOIETIC. Last evaluated: 1992-01-01. Review status: no assertion criteria provided. Collection method: literature only. Allele origin: germline. Not counted in ClinVar's aggregate classification.

Literature cited by the submitters: PubMed 1733834 (cited by 3 submitters); PubMed 7860775 (cited by Labcorp Genetics (formerly Invitae), Labcorp and Women's Health and Genetics/Laboratory Corporation of America, LabCorp); PubMed 30706587 (cited by Labcorp Genetics (formerly Invitae), Labcorp and Women's Health and Genetics/Laboratory Corporation of America, LabCorp); PubMed 19099412 (cited by Labcorp Genetics (formerly Invitae), Labcorp and Women's Health and Genetics/Laboratory Corporation of America, LabCorp); PubMed 22816431 (cited by Women's Health and Genetics/Laboratory Corporation of America, LabCorp).